The following is an entry in ClinVar:

ClinVar aggregate classification (germline): Uncertain significance. Review status: criteria provided, multiple submitters, no conflicts (2 of 4 stars). 3 submissions from 3 submitters: Uncertain significance (3). Last evaluated 2025-02-10.

Conditions:
Joubert syndrome. Also called: CEREBELLOPARENCHYMAL DISORDER IV; JOUBERT-BOLTSHAUSER SYNDROME; Familial aplasia of the vermis. Identifiers: Orphanet 475, MedGen C5979921, MONDO:0018772.
Nephronophthisis. Also called: Juvenile Nephronophthisis. Identifiers: Orphanet 655, MedGen C0687120, MONDO:0019005, HP:0000090.
Meckel-Gruber syndrome. Also called: DYSENCEPHALIA SPLANCHNOCYSTICA; GRUBER SYNDROME; Dysencephalia splachnocystica. Identifiers: Orphanet 564, MedGen C0265215, MONDO:0018921.
Senior-Loken syndrome 6 (SLSN6). Identifiers: Orphanet 3156, MedGen C1857779, MONDO:0012433, OMIM 610189.
Joubert syndrome 5 (JBTS5). Identifiers: Orphanet 2318, MedGen C1857780, MONDO:0012432, OMIM 610188.
Bardet-Biedl syndrome 14 (BBS14). Identifiers: Orphanet 110, MedGen C2673874, MONDO:0014442, OMIM 615991.
Leber congenital amaurosis 10 (LCA10). Identifiers: Orphanet 65, MedGen C1857821, MONDO:0012723, OMIM 611755.
Meckel syndrome, type 4 (MKS4). Also called: MECKEL-GRUBER SYNDROME, TYPE 4. Identifiers: Orphanet 564, MedGen C1970161, MONDO:0012626, OMIM 611134.
Inborn genetic diseases. Identifiers: MedGen C0950123, MeSH D030342.

Allele frequency attached by ClinVar (database versions not stated): gnomAD exomes 0.00002 and below 0.00001; gnomAD 0.00004 and 0.00005; ExAC 0.00006; TOPMed 0.00007; 1000 Genomes Project 0.00020; 1000 Genomes Project 30x 0.00031.

Submissions (3):

Ambry Genetics
Classification: Uncertain significance for Inborn genetic diseases. Last evaluated: 2025-02-10. Review status: criteria provided, single submitter. Criteria: Ambry Variant Classification Scheme 2023. Collection method: clinical testing. Allele origin: germline.

Labcorp Genetics (formerly Invitae), Labcorp
Classification: Uncertain significance for Joubert syndrome; Meckel-Gruber syndrome; Nephronophthisis. Last evaluated: 2025-02-03. Review status: criteria provided, single submitter. Criteria: Invitae Variant Classification Sherloc (09022015). Collection method: clinical testing. Allele origin: germline.
Comment: This sequence change replaces isoleucine, which is neutral and non-polar, with valine, which is neutral and non-polar, at codon 1378 of the CEP290 protein (p.Ile1378Val). The frequency data for this variant in the population databases is considered unreliable, as metrics indicate poor data quality at this position in the gnomAD database. This variant has not been reported in the literature in individuals affected with CEP290-related conditions. ClinVar contains an entry for this variant (Variation ID: 1409601). Invitae Evidence Modeling of protein sequence and biophysical properties (such as structural, functional, and spatial information, amino acid conservation, physicochemical variation, residue mobility, and thermodynamic stability) indicates that this missense variant is not expected to disrupt CEP290 protein function with a negative predictive value of 80%. In summary, the available evidence is currently insufficient to determine the role of this variant in disease. Therefore, it has been classified as a Variant of Uncertain Significance.

Fulgent Genetics
Classification: Uncertain significance for Joubert syndrome 5; Senior-Loken syndrome 6; Meckel syndrome, type 4; Leber congenital amaurosis 10; Bardet-Biedl syndrome 14. Last evaluated: 2024-04-19. Review status: criteria provided, single submitter. Criteria: ACMG Guidelines, 2015. Collection method: clinical testing. Allele origin: germline.

NM_025114.4(CEP290):c.4132A>G (p.Ile1378Val)

Gene: CEP290 (centrosomal protein 290; minus strand). Cytogenetic location: 12q21.32.
Variant type: single nucleotide variant.
Coding change: c.4132A>G on transcript NM_025114.4 (MANE Select); coding-DNA position 4132, A replaced by G.
Protein change: p.Ile1378Val; replaces isoleucine 1378 with valine.
Molecular consequence: missense variant.
Genome position (GRCh38, 1-based): chr12:88,087,842, T>C on the plus strand (A>G on the coding strand, the complement: CEP290 is on the minus strand). VCF-style: chr12-88087842-T-C. GRCh37 (hg19) VCF-style: chr12-88481619-T-C.
Other names: c.4132A>G (NM_025114.3); short protein forms I1378V.
Identifiers: ClinVar variation 1409601 (VCV001409601.8), dbSNP rs532041890, ClinGen allele CA6712023.